The following is an entry in ClinVar:

NM_014324.6(AMACR):c.717G>T (p.Gln239His)

Genes: C1QTNF3-AMACR (C1QTNF3-AMACR readthrough (NMD candidate); minus strand), AMACR (alpha-methylacyl-CoA racemase; minus strand). Cytogenetic location: 5p13.2.
Variant type: single nucleotide variant.
Coding change: c.717G>T on transcript NM_014324.6 (MANE Select); coding-DNA position 717, G replaced by T.
Protein change: p.Gln239His; replaces glutamine 239 with histidine.
Molecular consequence: missense variant. On other transcripts: non-coding transcript variant (1).
Genome position (GRCh38, 1-based): chr5:33,998,663, C>A on the plus strand (G>T on the coding strand, the complement: AMACR is on the minus strand). VCF-style: chr5-33998663-C-A. GRCh37 (hg19) VCF-style: chr5-33998768-C-A.
Other names: NM_001167595.1(AMACR):c.717G>T(p.Gln239His); NM_014324.5(AMACR):c.717G>T(p.Gln239His); NM_203382.2(AMACR):c.556G>T(p.Val186Phe); c.717G>T, p.Gln239His (NM_001167595.2); c.556G>T, p.Val186Phe (NM_203382.3); short protein forms Q239H, V186F.
Identifiers: ClinVar variation 128359 (VCV000128359.24), dbSNP rs34677, ClinGen allele CA151765.

ClinVar aggregate classification (germline): Benign. Review status: criteria provided, multiple submitters, no conflicts (2 of 4 stars). 8 submissions from 8 submitters: Benign (6). 2 of the submissions do not count toward it. Last evaluated 2026-02-04.

Conditions:
Alpha-methylacyl-CoA racemase deficiency (AMACRD). Also called: AMACR deficiency. Identifiers: Orphanet 79095, MedGen C3280428, MONDO:0013681, OMIM 614307. Disease mechanism: loss of function.

Allele frequency attached by ClinVar (database versions not stated): TOPMed 0.10743; 1000 Genomes Project 30x 0.11181; gnomAD 0.11264 and 0.11451; 1000 Genomes Project 0.11442; ESP Exome Variant Server 0.11994; ExAC 0.12683; gnomAD exomes 0.12711 and 0.13756.
gnomAD v4.1: 218,333 of 1,610,232 alleles (14%); highest among the groups gnomAD compares: Middle Eastern, 19%; 15,506 homozygotes.

Submissions (8):

Labcorp Genetics (formerly Invitae), Labcorp
Classification: Benign for Alpha-methylacyl-CoA racemase deficiency. Last evaluated: 2026-02-04. Review status: criteria provided, single submitter. Criteria: Invitae Variant Classification Sherloc (09022015). Collection method: clinical testing. Allele origin: germline.

SIB Swiss Institute of Bioinformatics
Classification: Benign. Last evaluated: 2018-05-31. Review status: criteria provided, single submitter. Criteria: ACMG Guidelines, 2015. Collection method: curation. Allele origin: unknown.
Comment: This variant is interpreted as a Benign - Stand Alone. The following ACMG Tag(s) were applied: BA1 => Allele frequency is >5% in Exome Sequencing Project, 1000 Genomes Project, or Exome Aggregation Consortium.

Eurofins Ntd Llc (ga)
Classification: Benign. Last evaluated: 2018-05-17. Review status: criteria provided, single submitter. Criteria: EGL ClinVar v180209 classification definitions. Collection method: clinical testing. Allele origin: germline. Observed: 14 variant alleles, 14 heterozygotes.

Illumina Laboratory Services, Illumina
Classification: Benign for Alpha-methylacyl-CoA racemase deficiency. Last evaluated: 2018-01-12. Review status: criteria provided, single submitter. Criteria: ICSL Variant Classification Criteria 13 December 2019. Collection method: clinical testing. Allele origin: germline.
Comment: This variant was observed in the ICSL laboratory as part of a predisposition screen in an ostensibly healthy population. It had not been previously curated by ICSL or reported in the Human Gene Mutation Database (HGMD: prior to June 1st, 2018), and was therefore a candidate for classification through an automated scoring system. Utilizing variant allele frequency, disease prevalence and penetrance estimates, and inheritance mode, an automated score was calculated to assess if this variant is too frequent to cause the disease. Based on the score and internal cut-off values, a variant classified as benign is not then subjected to further curation. The score for this variant resulted in a classification of benign for this disease.

GeneDx
Classification: Benign. Last evaluated: 2016-01-21. Review status: criteria provided, single submitter. Criteria: GeneDx Variant Classification (06012015). Collection method: clinical testing. Allele origin: germline. Affected: yes.
Comment: This variant is considered likely benign or benign based on one or more of the following criteria: it is a conservative change, it occurs at a poorly conserved position in the protein, it is predicted to be benign by multiple in silico algorithms, and/or has population frequency not consistent with disease.

Breakthrough Genomics
Classification: Benign. Review status: criteria provided, single submitter. Criteria: ACMG Guidelines, 2015. Collection method: not provided. Allele origin: germline. Inheritance: Autosomal recessive inheritance. Affected: yes.

Mayo Clinic Laboratories, Mayo Clinic
Classification: Benign. Last evaluated: 2015-10-22. Review status: no assertion criteria provided. Collection method: clinical testing. Allele origin: unknown. Not counted in ClinVar's aggregate classification.

Genetic Services Laboratory, University of Chicago
Classification: Likely benign for AllHighlyPenetrant. Review status: no assertion criteria provided. Collection method: clinical testing. Allele origin: germline. Inheritance: Autosomal recessive inheritance. Not counted in ClinVar's aggregate classification.
Comment: Likely benign based on allele frequency in 1000 Genomes Project or ESP global frequency and its presence in a patient with a rare or unrelated disease phenotype. NOT Sanger confirmed.